The following is an entry in ClinVar:

ClinVar aggregate classification (germline): Pathogenic (1 of 4 stars; one submission).

Conditions:
Neuronal ceroid lipofuscinosis 7 (CLN7). Also called: MFSD8-Related Neuronal Ceroid-Lipofuscinosis. Identifiers: Orphanet 168491, Orphanet 228366, MedGen C1838571, MONDO:0012588, OMIM 610951.

Submission:

Labcorp Genetics (formerly Invitae), Labcorp
Classification: Pathogenic for Neuronal ceroid lipofuscinosis 7. Last evaluated: 2023-04-19. Review status: criteria provided, single submitter. Criteria: Invitae Variant Classification Sherloc (09022015). Collection method: clinical testing. Allele origin: germline.
Comment: For these reasons, this variant has been classified as Pathogenic. Algorithms developed to predict the effect of sequence changes on RNA splicing suggest that this variant may create or strengthen a splice site. This variant has not been reported in the literature in individuals affected with MFSD8-related conditions. This variant is not present in population databases (gnomAD no frequency). This sequence change creates a premature translational stop signal (p.Pro412Argfs*2) in the MFSD8 gene. It is expected to result in an absent or disrupted protein product. Loss-of-function variants in MFSD8 are known to be pathogenic (PMID: 19177532, 25227500, 28586915).

Literature cited by the submitters: PubMed 19177532; PubMed 25227500; PubMed 28586915.

NM_001371596.2(MFSD8):c.1235del (p.Pro412fs)

Gene: MFSD8 (major facilitator superfamily domain containing 8; minus strand). Cytogenetic location: 4q28.2.
Variant type: Deletion.
Coding change: c.1235del on transcript NM_001371596.2 (MANE Select); coding-DNA position 1235, one base deleted (C; older notation c.1235delC).
Protein change: p.Pro412fs; shifts the reading frame from proline 412.
Molecular consequence: frameshift variant. On other transcripts: 3 prime UTR variant (1).
Genome position (GRCh38, 1-based): chr4:127,921,639, G deleted on the plus strand (C on the coding strand, the reverse complement: MFSD8 is on the minus strand); the first of 4 consecutive G bases (chr4:127,921,639-127,921,642); deleting any one gives the same sequence. VCF-style (leftmost placement, unchanged base first): chr4-127921638-CG-C. GRCh37 (hg19) VCF-style: chr4-128842793-CG-C.
Other names: c.1034del, p.Pro345fs (NM_001363520.3); c.920del, p.Pro307fs (NM_001363521.3); c.1100del, p.Pro367fs (NM_001371590.2); c.1235del, p.Pro412fs (NM_001371591.2, NM_152778.4); c.1241del, p.Pro414fs (NM_001371592.2); c.1121del, p.Pro374fs (NM_001371593.2); c.1088del, p.Pro363fs (NM_001371594.2); c.953del, p.Pro318fs (NM_001371595.1); and 2 more; short protein forms P318fs, P367fs, P374fs, P307fs, P345fs, P412fs, P414fs, P262fs.
Identifiers: ClinVar variation 2857549 (VCV002857549.3), dbSNP rs2546046684, ClinGen allele CA2739265918.